The following is an entry in ClinVar:

NM_000059.4(BRCA2):c.1668T>G (p.Asn556Lys)

Gene: BRCA2 (BRCA2 DNA repair associated; plus strand). Cytogenetic location: 13q13.1.
Variant type: single nucleotide variant.
Coding change: c.1668T>G on transcript NM_000059.4 (MANE Select); coding-DNA position 1668, T replaced by G.
Protein change: p.Asn556Lys; replaces asparagine 556 with lysine.
Molecular consequence: missense variant. On other transcripts: non-coding transcript variant (1), intron variant (1).
Genome position (GRCh38, 1-based): chr13:32,333,146, T>G. VCF-style: chr13-32333146-T-G. GRCh37 (hg19) VCF-style: chr13-32907283-T-G.
Other names: c.1668T>G, p.Asn556Lys (NM_001406719.1, NM_001406720.1, NM_001406721.1); c.424+2116T>G (NM_001406722.1); short protein forms N556K.
Identifiers: ClinVar variation 2503815 (VCV002503815.1), dbSNP rs776558472, ClinGen allele CA387765062.

ClinVar aggregate classification (germline): Uncertain significance (1 of 4 stars; one submission).

Submission:

Women's Health and Genetics/Laboratory Corporation of America, LabCorp
Classification: Uncertain significance. Last evaluated: 2023-04-03. Review status: criteria provided, single submitter. Criteria: LabCorp Variant Classification Summary - May 2015. Collection method: clinical testing. Allele origin: germline.
Comment: Variant summary: BRCA2 c.1668T>G (p.Asn556Lys) results in a non-conservative amino acid change in the encoded protein sequence. Four of five in-silico tools predict a benign effect of the variant on protein function. The variant was absent in 251224 control chromosomes (gnomAD). The available data on variant occurrences in the general population are insufficient to allow any conclusion about variant significance. To our knowledge, no occurrence of c.1668T>G in individuals affected with Hereditary Breast And Ovarian Cancer Syndrome and no experimental evidence demonstrating its impact on protein function have been reported. No clinical diagnostic laboratories have submitted clinical-significance assessments for this variant to ClinVar after 2014. Based on the evidence outlined above, the variant was classified as uncertain significance.